The following is an entry in ClinVar:

NM_001286577.2(C2CD3):c.258A>C (p.Lys86Asn)

Gene: C2CD3 (C2 domain containing 3 centriole elongation regulator; minus strand). Cytogenetic location: 11q13.4.
Variant type: single nucleotide variant.
Coding change: c.258A>C on transcript NM_001286577.2 (MANE Select); coding-DNA position 258, A replaced by C.
Protein change: p.Lys86Asn; replaces lysine 86 with asparagine.
Molecular consequence: missense variant.
Genome position (GRCh38, 1-based): chr11:74,168,411, T>G on the plus strand (A>C on the coding strand, the complement: C2CD3 is on the minus strand). VCF-style: chr11-74168411-T-G. GRCh37 (hg19) VCF-style: chr11-73879456-T-G.
Other names: c.258A>C, p.Lys86Asn (NM_015531.6); short protein forms K86N.
Identifiers: ClinVar variation 1412614 (VCV001412614.4), dbSNP rs547911655, ClinGen allele CA6183284.
Genomic context (GRCh38, chr11:74,168,411, plus strand): 5'-ATAAGAGGTAAACTGTTTTGGACCACAACGAATAGCGTAACGTGTAGTTGTTCTCACAGC[T>G]TTTGGTTCAGTCTGCAATGCATCCCTGGGACAAAAGAGGGTTCCATCTGATGTTTCTCCC-3'
Protein context (NP_001273506.1, residues 76-96): CPRDALQTEP[Lys86Asn]AVRTTTRYAI

ClinVar aggregate classification (germline): Uncertain significance (1 of 4 stars; one submission).

Allele frequency attached by ClinVar (database versions not stated): gnomAD 0.00001; ExAC 0.00002; gnomAD exomes 0.00002 and 0.00008; 1000 Genomes Project 0.00020; TOPMed 0.00002; 1000 Genomes Project 30x 0.00016.
gnomAD v4.1: 27 of 1,614,046 alleles (0.0017%); highest among the groups gnomAD compares: Admixed American, 0.033%; no homozygotes.

Submission:

Labcorp Genetics (formerly Invitae), Labcorp
Classification: Uncertain significance. Last evaluated: 2024-01-22. Review status: criteria provided, single submitter. Criteria: Invitae Variant Classification Sherloc (09022015). Collection method: clinical testing. Allele origin: germline.
Comment: This sequence change replaces lysine, which is basic and polar, with asparagine, which is neutral and polar, at codon 86 of the C2CD3 protein (p.Lys86Asn). This variant is present in population databases (rs547911655, gnomAD 0.04%). This variant has not been reported in the literature in individuals affected with C2CD3-related conditions. ClinVar contains an entry for this variant (Variation ID: 1412614). Advanced modeling of protein sequence and biophysical properties (such as structural, functional, and spatial information, amino acid conservation, physicochemical variation, residue mobility, and thermodynamic stability) performed at Invitae indicates that this missense variant is expected to disrupt C2CD3 protein function with a positive predictive value of 80%. In summary, the available evidence is currently insufficient to determine the role of this variant in disease. Therefore, it has been classified as a Variant of Uncertain Significance.